The following is an entry in ClinVar:

ClinVar aggregate classification (germline): Likely pathogenic (1 of 4 stars; one submission).

Submission:

Labcorp Genetics (formerly Invitae), Labcorp
Classification: Likely pathogenic. Last evaluated: 2022-09-13. Review status: criteria provided, single submitter. Criteria: Invitae Variant Classification Sherloc (09022015). Collection method: clinical testing. Allele origin: germline.
Comment: This sequence change affects an acceptor splice site in intron 16 of the FBXO11 gene. It is expected to disrupt RNA splicing. Variants that disrupt the donor or acceptor splice site typically lead to a loss of protein function (PMID: 16199547), and loss-of-function variants in FBXO11 are known to be pathogenic (PMID: 30057029, 30679813). This variant is not present in population databases (gnomAD no frequency). This variant has not been reported in the literature in individuals affected with FBXO11-related conditions. ClinVar contains an entry for this variant (Variation ID: 1514103). Algorithms developed to predict the effect of sequence changes on RNA splicing suggest that this variant may disrupt the consensus splice site. In summary, the currently available evidence indicates that the variant is pathogenic, but additional data are needed to prove that conclusively. Therefore, this variant has been classified as Likely Pathogenic.

Literature cited by the submitters: PubMed 16199547; PubMed 30057029; PubMed 30679813.

NM_001190274.2(FBXO11):c.2007-1G>A

Gene: FBXO11 (F-box protein 11; minus strand). Cytogenetic location: 2p16.3.
Variant type: single nucleotide variant.
Coding change: c.2007-1G>A on transcript NM_001190274.2 (MANE Select); the canonical splice acceptor site of the intron before coding-DNA position 2007, G replaced by A.
Molecular consequence: splice acceptor variant.
Genome position (GRCh38, 1-based): chr2:47,813,868, C>T on the plus strand (G>A on the coding strand, the complement: FBXO11 is on the minus strand). VCF-style: chr2-47813868-C-T. GRCh37 (hg19) VCF-style: chr2-48041007-C-T.
Other names: c.1755-1G>A (NM_001374325.1, NM_025133.4).
Identifiers: ClinVar variation 1514103 (VCV001514103.6), dbSNP rs2104664101, ClinGen allele CA346763677.